The following is an entry in ClinVar:

ClinVar aggregate classification (germline): Likely benign (1 of 4 stars; one submission).

Submission:

GeneDx
Classification: Likely benign. Last evaluated: 2017-05-02. Review status: criteria provided, single submitter. Criteria: GeneDx Variant Classification (06012015). Collection method: clinical testing. Allele origin: germline. Affected: yes.
Comment: This variant is considered likely benign or benign based on one or more of the following criteria: it is a conservative change, it occurs at a poorly conserved position in the protein, it is predicted to be benign by multiple in silico algorithms, and/or has population frequency not consistent with disease.

NM_018122.5(DARS2):c.228-20delinsCC

Gene: DARS2 (aspartyl-tRNA synthetase 2, mitochondrial; plus strand). Cytogenetic location: 1q25.1.
Variant type: Indel.
Coding change: c.228-20delinsCC on transcript NM_018122.5 (MANE Select); 20 bases into the intron before coding-DNA position 228, T replaced by CC.
Molecular consequence: intron variant.
Genome position (GRCh38, 1-based): chr1:173,828,313, T replaced by CC. VCF-style: chr1-173828313-T-CC. GRCh37 (hg19) VCF-style: chr1-173797451-T-CC.
Other names: c.228-20delinsCC (NM_001365212.1, NM_001365213.2).
Identifiers: ClinVar variation 510081 (VCV000510081.1), dbSNP rs1553201265, ClinGen allele CA658795565.